The following is an entry in ClinVar:

ClinVar aggregate classification (germline): Pathogenic (1 of 4 stars; one submission).

Conditions:
Inborn genetic diseases. Identifiers: MedGen C0950123, MeSH D030342.

Submission:

Ambry Genetics
Classification: Pathogenic for Inborn genetic diseases. Last evaluated: 2024-01-04. Review status: criteria provided, single submitter. Criteria: Ambry Variant Classification Scheme 2023. Collection method: clinical testing. Allele origin: germline.
Comment: The c.218delC (p.P73Rfs*21) alteration, located in exon 1 (coding exon 1) of the AUTS2 gene, consists of a deletion of one nucleotide at position 218, causing a translational frameshift with a predicted alternate stop codon after 21 amino acids. This alteration is expected to result in loss of function by premature protein truncation or nonsense-mediated mRNA decay. This variant was not reported in population-based cohorts in the Genome Aggregation Database (gnomAD). Based on the available evidence, this alteration is classified as pathogenic.

NM_015570.4(AUTS2):c.218del (p.Pro73fs)

Gene: AUTS2 (activator of transcription and developmental regulator AUTS2; plus strand). Cytogenetic location: 7q11.22.
Variant type: Deletion.
Coding change: c.218del on transcript NM_015570.4 (MANE Select); coding-DNA position 218, one base deleted (C; older notation c.218delC).
Protein change: p.Pro73fs; shifts the reading frame from proline 73.
Molecular consequence: frameshift variant.
Genome position (GRCh38, 1-based): chr7:69,599,871, C deleted; the last of 5 consecutive C bases (chr7:69,599,867-69,599,871); deleting any one gives the same sequence. VCF-style (leftmost placement, unchanged base first): chr7-69599866-AC-A. GRCh37 (hg19) VCF-style: chr7-69064852-AC-A.
Other names: c.218del, p.Pro73fs (NM_001127231.3, NM_001127232.3); short protein forms P73fs.
Identifiers: ClinVar variation 3132361 (VCV003132361.1), dbSNP rs1562747728, ClinGen allele CA918035678.
Genomic context (GRCh38, chr7:69,599,866, plus strand): 5'-GTCGGGCTCCGACAAGGAAGACAATGGGAAGCCCCCGTCCTCCGCCCCGTCCCGGCCCAG[AC>A]CCCCGCGGAGGAAGCGGAGAGAGTCCACCTCGGCAGAAGAGGACATCATTGATGGATTTG-3'